The following is an entry in ClinVar:

NM_001972.4(ELANE):c.625A>T (p.Asn209Tyr)

Gene: ELANE (elastase, neutrophil expressed; plus strand). Cytogenetic location: 19p13.3.
Variant type: single nucleotide variant.
Coding change: c.625A>T on transcript NM_001972.4 (MANE Select); coding-DNA position 625, A replaced by T.
Protein change: p.Asn209Tyr; replaces asparagine 209 with tyrosine.
Molecular consequence: missense variant.
Genome position (GRCh38, 1-based): chr19:855,985, A>T. VCF-style: chr19-855985-A-T. GRCh37 (hg19) VCF-style: chr19-855985-A-T.
Other names: short protein forms N209Y.
Identifiers: ClinVar variation 5035896 (VCV005035896.1).

ClinVar aggregate classification (germline): Uncertain significance (1 of 4 stars; one submission).

Conditions:
Inborn genetic diseases. Identifiers: MedGen C0950123, MeSH D030342.

Submission:

Ambry Genetics
Classification: Uncertain significance for Inborn genetic diseases. Last evaluated: 2026-08-08. Review status: criteria provided, single submitter. Criteria: Ambry Variant Classification Scheme 2023. Collection method: clinical testing. Allele origin: germline.
Comment: The p.N209Y variant (also known as c.625A>T), located in coding exon 5 of the ELANE gene, results from an A to T substitution at nucleotide position 625. The asparagine at codon 209 is replaced by tyrosine, an amino acid with dissimilar properties. This amino acid position is conserved. In addition, the in silico prediction for this alteration is inconclusive. Based on the available evidence, the clinical significance of this variant remains unclear.